The following is an entry in ClinVar:

NM_001401501.2(MUC16):c.37404T>A (p.Gly12468=)

Gene: MUC16 (mucin 16, cell surface associated; minus strand). Cytogenetic location: 19p13.2.
Variant type: single nucleotide variant.
Coding change: c.37404T>A on transcript NM_001401501.2 (MANE Select); coding-DNA position 37404, T replaced by A.
Protein change: p.Gly12468=; no amino-acid change (glycine 12468 retained).
Molecular consequence: synonymous variant.
Genome position (GRCh38, 1-based): chr19:8,910,429, A>T on the plus strand (T>A on the coding strand, the complement: MUC16 is on the minus strand). VCF-style: chr19-8910429-A-T. GRCh37 (hg19) VCF-style: chr19-9021105-A-T.
Other names: c.37830T>A, p.Gly12610= (NM_001414686.1); c.37284T>A, p.Gly12428= (NM_001414687.1); c.37218T>A, p.Gly12406= (NM_024690.2).
Identifiers: ClinVar variation 3059464 (VCV003059464.2), dbSNP rs77455485, ClinGen allele CA305030627.

ClinVar aggregate classification (germline): Likely benign (0 of 4 stars; one submission).

Conditions:
MUC16-related disorder. Also called: MUC16-related condition.

Allele frequency attached by ClinVar (database versions not stated): 1000 Genomes Project 30x 0.03904.

Submission:

PreventionGenetics, part of Exact Sciences
Classification: Likely benign for MUC16-related condition. Last evaluated: 2019-11-06. Review status: no assertion criteria provided. Collection method: clinical testing. Allele origin: germline.
Comment: This variant is classified as likely benign based on ACMG/AMP sequence variant interpretation guidelines (Richards et al. 2015 PMID: 25741868, with internal and published modifications).